The following is an entry in ClinVar:

NM_001099922.3(ALG13):c.2260C>T (p.Pro754Ser)

Gene: ALG13 (ALG13 UDP-N-acetylglucosaminyltransferase subunit; plus strand). Cytogenetic location: Xq23.
Variant type: single nucleotide variant.
Coding change: c.2260C>T on transcript NM_001099922.3 (MANE Select); coding-DNA position 2260, C replaced by T.
Protein change: p.Pro754Ser; replaces proline 754 with serine.
Molecular consequence: missense variant. On other transcripts: non-coding transcript variant (1).
Genome position (GRCh38, 1-based): chrX:111,728,197, C>T. VCF-style: chrX-111728197-C-T. GRCh37 (hg19) VCF-style: chrX-110971425-C-T.
Other names: c.1948C>T, p.Pro650Ser (NM_001257230.2, NM_001257234.2, NM_001257237.2); c.2026C>T, p.Pro676Ser (NM_001257231.2); c.2260C>T, p.Pro754Ser (NM_001324292.2); c.1774C>T, p.Pro592Ser (NM_001324293.1); short protein forms P754S, P592S, P676S, P650S.
Identifiers: ClinVar variation 585383 (VCV000585383.11), dbSNP rs775045681, ClinGen allele CA10493851.

ClinVar aggregate classification (germline): Conflicting classifications of pathogenicity. Review status: criteria provided, conflicting classifications (1 of 4 stars). 3 submissions from 3 submitters: Uncertain significance (2); Likely benign (1). Last evaluated 2025-12-08.

Conditions:
Developmental and epileptic encephalopathy, 36 (DEE36). Also called: Congenital disorder of glycosylation, type Is; Epileptic encephalopathy, early infantile, 36; ALG13-CDG. Identifiers: Orphanet 324422, MedGen C4317295, MONDO:0010472, OMIM 300884.

Allele frequency attached by ClinVar (database versions not stated): ExAC 0.00001; gnomAD exomes 0.00001.
gnomAD v4.1: 60 of 1,211,018 alleles (0.005%); highest among the groups gnomAD compares: Non-Finnish European, 0.0065%; no homozygotes.

Submissions (3):

Labcorp Genetics (formerly Invitae), Labcorp
Classification: Likely benign for Developmental and epileptic encephalopathy, 36. Last evaluated: 2025-12-08. Review status: criteria provided, single submitter. Criteria: Invitae Variant Classification Sherloc (09022015). Collection method: clinical testing. Allele origin: germline.

GeneDx
Classification: Uncertain significance. Last evaluated: 2023-08-02. Review status: criteria provided, single submitter. Criteria: GeneDx Variant Classification Process June 2021. Collection method: clinical testing. Allele origin: germline. Affected: yes.
Comment: In silico analysis supports that this missense variant has a deleterious effect on protein structure/function; Has not been previously published as pathogenic or benign to our knowledge

Athena Diagnostics
Classification: Uncertain significance. Last evaluated: 2018-01-17. Review status: criteria provided, single submitter. Criteria: Athena Diagnostics Criteria. Collection method: clinical testing. Allele origin: germline.